The following is an entry in ClinVar:

NM_015205.3(ATP11A):c.*163A>C

Gene: ATP11A (ATPase phospholipid transporting 11A; plus strand). Cytogenetic location: 13q34.
Variant type: single nucleotide variant.
Coding change: c.*163A>C on transcript NM_015205.3 (MANE Select); 163 bases downstream of the stop codon, A replaced by C.
Molecular consequence: 3 prime UTR variant. On other transcripts: missense variant (3).
Genome position (GRCh38, 1-based): chr13:112,882,029, A>C. VCF-style: chr13-112882029-A-C. GRCh37 (hg19) VCF-style: chr13-113536343-A-C.
Other names: c.3544A>C, p.Ser1182Arg (NM_001405661.1); c.3481A>C, p.Ser1161Arg (NM_001405662.1); c.*165A>C (NM_001405663.1); c.3541A>C, p.Ser1181Arg (NM_032189.4); short protein forms S1161R, S1182R, S1181R.
Identifiers: ClinVar variation 3804198 (VCV003804198.2).
Genomic context (GRCh38, chr13:112,882,029, plus strand): 5'-ACGGAGCCCCCACCCATCCTCGGCGGTTCCCATCACCACTGCAGTTCCATCCCAAGTCAC[A>C]GCTGCCCTAGGTCCCGTGTGGGAATGCTCGTGTGATGGATGGTCCTAAGCCTGTGGAGAC-3'

ClinVar aggregate classification (germline): Conflicting classifications of pathogenicity. Review status: criteria provided, conflicting classifications (1 of 4 stars). 2 submissions from 2 submitters: Uncertain significance (1); Likely benign (1). Last evaluated 2026-06-23.

Conditions:
ATP11A-related disorder. Also called: ATP11A-related condition.
Inborn genetic diseases. Identifiers: MedGen C0950123, MeSH D030342.

gnomAD v4.1: 55 of 1,367,612 alleles (0.004%); highest among the groups gnomAD compares: Admixed American, 0.099%; no homozygotes.

Submissions (2):

PreventionGenetics, part of Exact Sciences
Classification: Likely benign for ATP11A-related condition. Last evaluated: 2026-06-23. Review status: criteria provided, single submitter. Criteria: ACMG Guidelines, 2015. Collection method: clinical testing. Allele origin: germline.
Comment: This variant is classified as likely benign based on ACMG/AMP sequence variant interpretation guidelines (Richards et al. 2015 PMID: 25741868, with internal and published modifications).

Ambry Genetics
Classification: Uncertain significance for Inborn genetic diseases. Last evaluated: 2025-02-06. Review status: criteria provided, single submitter. Criteria: Ambry Variant Classification Scheme 2023. Collection method: clinical testing. Allele origin: germline.